The following is an entry in ClinVar:

NM_001376.5(DYNC1H1):c.13372+15G>A

Gene: DYNC1H1 (dynein cytoplasmic 1 heavy chain 1; plus strand). Cytogenetic location: 14q32.31.
Variant type: single nucleotide variant.
Coding change: c.13372+15G>A on transcript NM_001376.5 (MANE Select); 15 bases into the intron after coding-DNA position 13372, G replaced by A.
Molecular consequence: intron variant.
Genome position (GRCh38, 1-based): chr14:102,048,684, G>A. VCF-style: chr14-102048684-G-A. GRCh37 (hg19) VCF-style: chr14-102515021-G-A.
Identifiers: ClinVar variation 389490 (VCV000389490.8), dbSNP rs200190286, ClinGen allele CA7354218.

ClinVar aggregate classification (germline): Likely benign. Review status: criteria provided, multiple submitters, no conflicts (2 of 4 stars). 2 submissions from 2 submitters: Likely benign (2). Last evaluated 2025-12-22.

Conditions:
Charcot-Marie-Tooth disease axonal type 2O. Also called: Charcot-Marie-Tooth disease, axonal, type 20; CHARCOT-MARIE-TOOTH NEUROPATHY, AXONAL, TYPE 2O; CHARCOT-MARIE-TOOTH DISEASE, AXONAL, AUTOSOMAL DOMINANT, TYPE 2O; Charcot-Marie-Tooth Neuropathy Type 2O. Identifiers: Orphanet 284232, MedGen C3280220, MONDO:0013644, OMIM 614228.

Allele frequency attached by ClinVar (database versions not stated): gnomAD exomes 0.00003; TOPMed 0.00003; ExAC 0.00005; gnomAD 0.00001.
gnomAD v4.1: 21 of 1,611,774 alleles (0.0013%); highest among the groups gnomAD compares: Middle Eastern, 0.043%; no homozygotes.

Submissions (2):

Labcorp Genetics (formerly Invitae), Labcorp
Classification: Likely benign for Charcot-Marie-Tooth disease axonal type 2O. Last evaluated: 2025-12-22. Review status: criteria provided, single submitter. Criteria: Invitae Variant Classification Sherloc (09022015). Collection method: clinical testing. Allele origin: germline.

GeneDx
Classification: Likely benign. Last evaluated: 2016-09-26. Review status: criteria provided, single submitter. Criteria: GeneDx Variant Classification (06012015). Collection method: clinical testing. Allele origin: germline. Affected: yes.
Comment: This variant is considered likely benign or benign based on one or more of the following criteria: it is a conservative change, it occurs at a poorly conserved position in the protein, it is predicted to be benign by multiple in silico algorithms, and/or has population frequency not consistent with disease.